The following is an entry in ClinVar:

ClinVar aggregate classification (germline): Likely benign. Review status: criteria provided, single submitter (1 of 4 stars). 2 submissions from 2 submitters: Likely benign (1). 1 of the submissions does not count toward it.

Conditions:
OSBP-related disorder. Also called: OSBP-related condition.

Allele frequency attached by ClinVar (database versions not stated): gnomAD exomes 0.00008; gnomAD 0.00011; ExAC 0.00014; ESP Exome Variant Server 0.00023; TOPMed 0.00023; 1000 Genomes Project 30x 0.00031; 1000 Genomes Project 0.00040.
gnomAD v4.1: 138 of 1,612,900 alleles (0.0086%); highest among the groups gnomAD compares: Admixed American, 0.1%; no homozygotes.

Submissions (2):

Breakthrough Genomics
Classification: Likely benign. Review status: criteria provided, single submitter. Criteria: ACMG Guidelines, 2015. Collection method: not provided. Allele origin: germline. Inheritance: Unknown mechanism. Affected: yes.

PreventionGenetics, part of Exact Sciences
Classification: Likely benign for OSBP-related condition. Last evaluated: 2019-09-17. Review status: no assertion criteria provided. Collection method: clinical testing. Allele origin: germline. Not counted in ClinVar's aggregate classification.
Comment: This variant is classified as likely benign based on ACMG/AMP sequence variant interpretation guidelines (Richards et al. 2015 PMID: 25741868, with internal and published modifications).

NM_002556.3(OSBP):c.1053C>T (p.Ser351=)

Gene: OSBP (oxysterol binding protein; minus strand). Cytogenetic location: 11q12.1.
Variant type: single nucleotide variant.
Coding change: c.1053C>T on transcript NM_002556.3 (MANE Select); coding-DNA position 1053, C replaced by T.
Protein change: p.Ser351=; no amino-acid change (serine 351 retained).
Molecular consequence: synonymous variant.
Genome position (GRCh38, 1-based): chr11:59,601,354, G>A on the plus strand (C>T on the coding strand, the complement: OSBP is on the minus strand). VCF-style: chr11-59601354-G-A. GRCh37 (hg19) VCF-style: chr11-59368827-G-A.
Identifiers: ClinVar variation 3040584 (VCV003040584.3), dbSNP rs145963268, ClinGen allele CA6019692.